The following is an entry in ClinVar:

ClinVar aggregate classification (germline): Benign/Likely benign. Review status: criteria provided, multiple submitters, no conflicts (2 of 4 stars). 3 submissions from 3 submitters: Benign (1); Likely benign (2). Last evaluated 2025-08-24.

Conditions:
Hereditary leiomyomatosis and renal cell cancer. Also called: MULTIPLE CUTANEOUS AND UTERINE LEIOMYOMATA 1, WITH OR WITHOUT RENAL CELL CARCINOMA; Familial leiomyomatosis; LEIOMYOMA, MULTIPLE CUTANEOUS; FH tumor predisposition syndrome; Multiple cutaneous leiomyomas; Reed syndrome. Identifiers: Orphanet 523, MedGen C1708350, MONDO:0007888, OMIM 150800, HP:0007437. Disease mechanism: loss of function.
Hereditary cancer-predisposing syndrome. Also called: Neoplastic Syndromes, Hereditary; Hereditary Cancer Syndrome; Hereditary neoplastic syndrome; Tumor predisposition. Identifiers: Orphanet 140162, MedGen C0027672, MeSH D009386, MONDO:0015356.

Allele frequency attached by ClinVar (database versions not stated): TOPMed 0.00003.

Submissions (3):

Labcorp Genetics (formerly Invitae), Labcorp
Classification: Likely benign. Last evaluated: 2025-08-24. Review status: criteria provided, single submitter. Criteria: Invitae Variant Classification Sherloc (09022015). Collection method: clinical testing. Allele origin: germline.

Myriad Genetics, Inc.
Classification: Benign for Hereditary leiomyomatosis and renal cell cancer. Last evaluated: 2024-10-21. Review status: criteria provided, single submitter. Criteria: Myriad Autosomal Dominant, Autosomal Recessive and X-Linked Classification Criteria (2023). Collection method: clinical testing. Allele origin: unknown.
Comment: This variant is considered benign. This variant is a silent/synonymous amino acid change and it is not expected to impact splicing.

Ambry Genetics
Classification: Likely benign for Hereditary cancer-predisposing syndrome. Last evaluated: 2021-03-01. Review status: criteria provided, single submitter. Criteria: Ambry Variant Classification Scheme 2023. Collection method: clinical testing. Allele origin: germline.

NM_000143.4(FH):c.1072T>C (p.Leu358=)

Gene: FH (fumarate hydratase; minus strand). Cytogenetic location: 1q43.
Variant type: single nucleotide variant.
Coding change: c.1072T>C on transcript NM_000143.4 (MANE Select); coding-DNA position 1072, T replaced by C.
Protein change: p.Leu358=; no amino-acid change (leucine 358 retained).
Molecular consequence: synonymous variant.
Genome position (GRCh38, 1-based): chr1:241,504,078, A>G on the plus strand (T>C on the coding strand, the complement: FH is on the minus strand). VCF-style: chr1-241504078-A-G. GRCh37 (hg19) VCF-style: chr1-241667378-A-G.
Identifiers: ClinVar variation 413609 (VCV000413609.15), dbSNP rs918902822, ClinGen allele CA16610037.